The following is an entry in ClinVar:

NM_007294.4(BRCA1):c.669G>A (p.Lys223=)

Gene: BRCA1 (BRCA1 DNA repair associated; minus strand). Cytogenetic location: 17q21.31.
Variant type: single nucleotide variant.
Coding change: c.669G>A on transcript NM_007294.4 (MANE Select); coding-DNA position 669, G replaced by A.
Protein change: p.Lys223=; no amino-acid change (lysine 223 retained).
Molecular consequence: synonymous variant. On other transcripts: intron variant (115).
Genome position (GRCh38, 1-based): chr17:43,095,847, C>T on the plus strand (G>A on the coding strand, the complement: BRCA1 is on the minus strand). VCF-style: chr17-43095847-C-T. GRCh37 (hg19) VCF-style: chr17-41247864-C-T.
Other names: c.528G>A, p.Lys176= (NM_007297.4, NM_001407692.1, NM_001407694.1 and 43 more transcripts); c.669G>A, p.Lys223= (NM_007298.4, NM_007299.4, NM_007300.4 and 59 more transcripts); c.-218-987G>A (NM_001407967.1, NM_001407966.1); c.404-987G>A (NM_001407931.1, NM_001407932.1, NM_001408503.1 and 5 more transcripts); c.167-987G>A (NM_001408512.1, NM_001407965.1); c.407-987G>A (NM_001407922.1, NM_001408498.1, NM_001407928.1 and 15 more transcripts); c.545-987G>A (NM_001407686.1, NM_001408446.1, NM_001408435.1 and 20 more transcripts); c.548-987G>A (NM_001408436.1, NM_001407665.1, NM_001408444.1 and 34 more transcripts); and 17 more.
Identifiers: ClinVar variation 427250 (VCV000427250.25), dbSNP rs1131692066, ClinGen allele CA500123956.

ClinVar aggregate classification (germline): Likely benign. Review status: reviewed by expert panel (3 of 4 stars). 7 submissions from 7 submitters: Likely benign (1). 6 of the submissions do not count toward it. Last evaluated 2017-06-29.

Conditions:
Hereditary cancer-predisposing syndrome. Also called: Neoplastic Syndromes, Hereditary; Hereditary neoplastic syndrome; Tumor predisposition; Hereditary Cancer Syndrome. Identifiers: Orphanet 140162, MedGen C0027672, MeSH D009386, MONDO:0015356.
Hereditary breast ovarian cancer syndrome. Also called: Hereditary breast and ovarian cancer syndrome (HBOC); BRCA1- and BRCA2-Associated Hereditary Breast and Ovarian Cancer; Hereditary breast and/or ovarian cancer syndrome; Hereditary breast and ovarian cancer syndrome; Hereditary breast and ovarian cancer; Breast and ovarian cancer. Identifiers: Orphanet 145, MedGen C0677776, MeSH D061325, MONDO:0003582. Disease mechanism: loss of function.
Breast-ovarian cancer, familial, susceptibility to, 1 (BROVCA1). Also called: BRCA1 Hereditary Breast and Ovarian Cancer; OVARIAN CANCER, SUSCEPTIBILITY TO. Identifiers: Orphanet 145, MedGen C2676676, MONDO:0011450, OMIM 604370. Disease mechanism: loss of function.

Submissions (7):

Evidence-based Network for the Interpretation of Germline Mutant Alleles (ENIGMA)
Classification: Likely benign for Breast-ovarian cancer, familial, susceptibility to, 1. Last evaluated: 2017-06-29. Review status: reviewed by expert panel. Criteria: ENIGMA BRCA1/2 Classification Criteria (2017-06-29). Collection method: curation. Allele origin: germline.
Comment: Synonymous substitution variant, with low bioinformatic likelihood to result in a splicing aberration (Splicing prior probability 0.02).

Labcorp Genetics (formerly Invitae), Labcorp
Classification: Likely benign for Hereditary breast ovarian cancer syndrome. Last evaluated: 2025-11-03. Review status: criteria provided, single submitter. Criteria: Invitae Variant Classification Sherloc (09022015). Collection method: clinical testing. Allele origin: germline. Not counted in ClinVar's aggregate classification.

All of Us Research Program, National Institutes of Health
Classification: Likely benign for Breast-ovarian cancer, familial, susceptibility to, 1. Last evaluated: 2023-04-27. Review status: criteria provided, single submitter. Criteria: ACMG Guidelines, 2015. Collection method: clinical testing. Allele origin: germline. Inheritance: Autosomal dominant inheritance. Observed: 1 variant allele, 1 heterozygote. Not counted in ClinVar's aggregate classification.
Comment: This study involves interpretation of variants in research participants for the purpose of population health screening. Participant phenotype was not available at the time of variant classification. Additional details can be found in publication PMID: 35346344, PMCID: PMC8962531

Ambry Genetics
Classification: Likely benign for Hereditary cancer-predisposing syndrome. Last evaluated: 2021-05-21. Review status: criteria provided, single submitter. Criteria: Ambry Variant Classification Scheme 2023. Collection method: clinical testing. Allele origin: germline. Not counted in ClinVar's aggregate classification.

GeneDx
Classification: Likely benign. Last evaluated: 2017-03-03. Review status: criteria provided, single submitter. Criteria: GeneDx Variant Classification (06012015). Collection method: clinical testing. Allele origin: germline. Affected: yes. Not counted in ClinVar's aggregate classification.
Comment: This variant is considered likely benign or benign based on one or more of the following criteria: it is a conservative change, it occurs at a poorly conserved position in the protein, it is predicted to be benign by multiple in silico algorithms, and/or has population frequency not consistent with disease.

Color Diagnostics, LLC DBA Color Health
Classification: Likely benign for Hereditary cancer-predisposing syndrome. Last evaluated: 2016-09-07. Review status: criteria provided, single submitter. Criteria: ACMG Guidelines, 2015. Collection method: clinical testing. Allele origin: germline. Not counted in ClinVar's aggregate classification.

Department of Pathology and Laboratory Medicine, Sinai Health System
Classification: Uncertain significance. Review status: no assertion criteria provided. Collection method: clinical testing. Allele origin: unknown. Affected: yes. Observed: 7 variant alleles. Study: The Canadian Open Genetics Repository (COGR). Not counted in ClinVar's aggregate classification.